The following is an entry in ClinVar:

NM_032242.4(PLXNA1):c.2479G>A (p.Glu827Lys)

Gene: PLXNA1 (plexin A1; plus strand). Cytogenetic location: 3q21.3.
Variant type: single nucleotide variant.
Coding change: c.2479G>A on transcript NM_032242.4 (MANE Select); coding-DNA position 2479, G replaced by A.
Protein change: p.Glu827Lys; replaces glutamic acid 827 with lysine.
Molecular consequence: missense variant.
Genome position (GRCh38, 1-based): chr3:127,014,250, G>A. VCF-style: chr3-127014250-G-A. GRCh37 (hg19) VCF-style: chr3-126733093-G-A.
Other names: short protein forms E827K.
Identifiers: ClinVar variation 2634969 (VCV002634969.3), dbSNP rs754868671, ClinGen allele CA2593643.

ClinVar aggregate classification (germline): Uncertain significance (0 of 4 stars; one submission).

Conditions:
PLXNA1-related disorder. Also called: PLXNA1-related condition.

Allele frequency attached by ClinVar (database versions not stated): ExAC 0.00001; gnomAD 0.00002; TOPMed 0.00003.

Submission:

PreventionGenetics, part of Exact Sciences
Classification: Uncertain significance for PLXNA1-related condition. Last evaluated: 2023-12-13. Review status: no assertion criteria provided. Collection method: clinical testing. Allele origin: germline.
Comment: The PLXNA1 c.2479G>A variant is predicted to result in the amino acid substitution p.Glu827Lys. To our knowledge, this variant has not been reported in the literature. This variant is reported in 0.015% of alleles in individuals of Latino descent in gnomAD. At this time, the clinical significance of this variant is uncertain due to the absence of conclusive functional and genetic evidence.